The following is an entry in ClinVar:

ClinVar aggregate classification (germline): Uncertain significance (1 of 4 stars; one submission).

Conditions:
Hereditary spastic paraplegia 30. Identifiers: Orphanet 101010, MedGen C5235139, MONDO:0012476.
Neuropathy, hereditary sensory, type 2C. Also called: Hereditary sensory and autonomic neuropathy type IIC; KIF1A-Related HSAN2 (HSAN2C). Identifiers: Orphanet 970, MedGen C3280168, MONDO:0013634, OMIM 614213.
Intellectual disability, autosomal dominant 9 (NESCAVS). Also called: NESCAV SYNDROME; KIF1A-Related Neurodevelopmental Disorder. Identifiers: Orphanet 662367, MedGen C5393830, MONDO:0013656, OMIM 614255.

Allele frequency attached by ClinVar (database versions not stated): gnomAD exomes below 0.00001.
gnomAD v4.1: 1 of 1,613,576 alleles (0.000062%); highest among the groups gnomAD compares: Non-Finnish European, 0.000085%; no homozygotes.

Submission:

Labcorp Genetics (formerly Invitae), Labcorp
Classification: Uncertain significance for Hereditary spastic paraplegia 30; Neuropathy, hereditary sensory, type 2C; Intellectual disability, autosomal dominant 9. Last evaluated: 2025-04-28. Review status: criteria provided, single submitter. Criteria: Invitae Variant Classification Sherloc (09022015). Collection method: clinical testing. Allele origin: germline.
Comment: This sequence change replaces asparagine, which is neutral and polar, with serine, which is neutral and polar, at codon 448 of the KIF1A protein (p.Asn448Ser). This variant is not present in population databases (gnomAD no frequency). This variant has not been reported in the literature in individuals affected with KIF1A-related conditions. ClinVar contains an entry for this variant (Variation ID: 2166848). Invitae Evidence Modeling of protein sequence and biophysical properties (such as structural, functional, and spatial information, amino acid conservation, physicochemical variation, residue mobility, and thermodynamic stability) indicates that this missense variant is expected to disrupt KIF1A protein function with a positive predictive value of 95%. In summary, the available evidence is currently insufficient to determine the role of this variant in disease. Therefore, it has been classified as a Variant of Uncertain Significance.

NM_001244008.2(KIF1A):c.1370A>G (p.Asn457Ser)

Gene: KIF1A (kinesin family member 1A; minus strand). Cytogenetic location: 2q37.3.
Variant type: single nucleotide variant.
Coding change: c.1370A>G on transcript NM_001244008.2 (MANE Select); coding-DNA position 1370, A replaced by G.
Protein change: p.Asn457Ser; replaces asparagine 457 with serine.
Molecular consequence: missense variant.
Genome position (GRCh38, 1-based): chr2:240,769,678, T>C on the plus strand (A>G on the coding strand, the complement: KIF1A is on the minus strand). VCF-style: chr2-240769678-T-C. GRCh37 (hg19) VCF-style: chr2-241709095-T-C.
Other names: c.1370A>G, p.Asn457Ser (NM_001320705.2, NM_001330289.2, NM_001379638.1); c.1445A>G, p.Asn482Ser (NM_001330290.2, NM_001379631.1, NM_001379634.1 and 2 more transcripts); c.1343A>G, p.Asn448Ser (NM_001379632.1, NM_001379633.1, NM_001379636.1 and 11 more transcripts); c.1418A>G, p.Asn473Ser (NM_001379637.1, NM_001379648.1); short protein forms N482S, N448S, N457S, N473S.
Identifiers: ClinVar variation 2166848 (VCV002166848.4), dbSNP rs2537834405, ClinGen allele CA351329901.